The following is an entry in ClinVar:

NM_016648.4(LARP7):c.1093G>C (p.Glu365Gln)

Genes: LARP7 (La ribonucleoprotein 7, transcriptional regulator; plus strand), MIR302CHG (miR-302/367 cluster host gene; minus strand). Cytogenetic location: 4q25.
Variant type: single nucleotide variant.
Coding change: c.1093G>C on transcript NM_016648.4 (MANE Select); coding-DNA position 1093, G replaced by C.
Protein change: p.Glu365Gln; replaces glutamic acid 365 with glutamine.
Molecular consequence: missense variant.
Genome position (GRCh38, 1-based): chr4:112,647,785, G>C. VCF-style: chr4-112647785-G-C. GRCh37 (hg19) VCF-style: chr4-113568941-G-C.
Other names: c.1093G>C, p.Glu365Gln (NM_001267039.4, NM_001370978.1, NM_015454.3); c.1132G>C, p.Glu378Gln (NM_001370974.1, NM_001370975.1); c.1129G>C, p.Glu377Gln (NM_001370976.1, NM_001370977.1); c.1090G>C, p.Glu364Gln (NM_001370979.1, NM_001370980.1); c.856G>C, p.Glu286Gln (NM_001370981.1, NM_001370982.1); short protein forms E377Q, E286Q, E364Q, E365Q, E378Q.
Identifiers: ClinVar variation 2093907 (VCV002093907.4), dbSNP rs2048391690, ClinGen allele CA357926934.

ClinVar aggregate classification (germline): Uncertain significance (1 of 4 stars; one submission).

Submission:

Labcorp Genetics (formerly Invitae), Labcorp
Classification: Uncertain significance. Last evaluated: 2024-10-17. Review status: criteria provided, single submitter. Criteria: Invitae Variant Classification Sherloc (09022015). Collection method: clinical testing. Allele origin: germline.
Comment: This sequence change replaces glutamic acid, which is acidic and polar, with glutamine, which is neutral and polar, at codon 365 of the LARP7 protein (p.Glu365Gln). This variant is not present in population databases (gnomAD no frequency). This variant has not been reported in the literature in individuals affected with LARP7-related conditions. ClinVar contains an entry for this variant (Variation ID: 2093907). Invitae Evidence Modeling of protein sequence and biophysical properties (such as structural, functional, and spatial information, amino acid conservation, physicochemical variation, residue mobility, and thermodynamic stability) indicates that this missense variant is expected to disrupt LARP7 protein function with a positive predictive value of 80%. In summary, the available evidence is currently insufficient to determine the role of this variant in disease. Therefore, it has been classified as a Variant of Uncertain Significance.